The following is an entry in ClinVar:

NM_001369268.1(ACAN):c.763G>A (p.Val255Ile)

Gene: ACAN (aggrecan; plus strand). Cytogenetic location: 15q26.1.
Variant type: single nucleotide variant.
Coding change: c.763G>A on transcript NM_001369268.1 (MANE Select); coding-DNA position 763, G replaced by A.
Protein change: p.Val255Ile; replaces valine 255 with isoleucine.
Molecular consequence: missense variant.
Genome position (GRCh38, 1-based): chr15:88,843,360, G>A. VCF-style: chr15-88843360-G-A. GRCh37 (hg19) VCF-style: chr15-89386591-G-A.
Other names: c.763G>A, p.Val255Ile (NM_001135.4, NM_001411096.1, NM_001411097.1 and 1 more transcripts); short protein forms V255I.
Identifiers: ClinVar variation 2958406 (VCV002958406.3), dbSNP rs377286945, ClinGen allele CA7719367.

ClinVar aggregate classification (germline): Uncertain significance (1 of 4 stars; one submission).

Allele frequency attached by ClinVar (database versions not stated): gnomAD exomes below 0.00001; ExAC 0.00001; ESP Exome Variant Server 0.00008.
gnomAD v4.1: 1 of 1,573,564 alleles (0.000064%); highest among the groups gnomAD compares: Non-Finnish European, 0.000087%; no homozygotes.

Submission:

Labcorp Genetics (formerly Invitae), Labcorp
Classification: Uncertain significance. Last evaluated: 2023-08-10. Review status: criteria provided, single submitter. Criteria: Invitae Variant Classification Sherloc (09022015). Collection method: clinical testing. Allele origin: germline.
Comment: In summary, the available evidence is currently insufficient to determine the role of this variant in disease. Therefore, it has been classified as a Variant of Uncertain Significance. Advanced modeling of protein sequence and biophysical properties (such as structural, functional, and spatial information, amino acid conservation, physicochemical variation, residue mobility, and thermodynamic stability) performed at Invitae indicates that this missense variant is not expected to disrupt ACAN protein function. This variant has not been reported in the literature in individuals affected with ACAN-related conditions. This variant is present in population databases (rs377286945, gnomAD 0.001%). This sequence change replaces valine, which is neutral and non-polar, with isoleucine, which is neutral and non-polar, at codon 255 of the ACAN protein (p.Val255Ile).